The following is an entry in ClinVar:

NM_002582.4(PARN):c.496A>G (p.Thr166Ala)

Gene: PARN (poly(A)-specific ribonuclease; minus strand). Cytogenetic location: 16p13.12.
Variant type: single nucleotide variant.
Coding change: c.496A>G on transcript NM_002582.4 (MANE Select); coding-DNA position 496, A replaced by G.
Protein change: p.Thr166Ala; replaces threonine 166 with alanine.
Molecular consequence: missense variant.
Genome position (GRCh38, 1-based): chr16:14,610,702, T>C on the plus strand (A>G on the coding strand, the complement: PARN is on the minus strand). VCF-style: chr16-14610702-T-C. GRCh37 (hg19) VCF-style: chr16-14704559-T-C.
Other names: c.313A>G, p.Thr105Ala (NM_001134477.3); c.358A>G, p.Thr120Ala (NM_001242992.2); short protein forms T120A, T105A, T166A.
Identifiers: ClinVar variation 1513580 (VCV001513580.6), dbSNP rs370388189, ClinGen allele CA7912402.

ClinVar aggregate classification (germline): Uncertain significance (1 of 4 stars; one submission).

Conditions:
Pulmonary fibrosis and/or bone marrow failure, Telomere-related, 4. Also called: PULMONARY FIBROSIS AND/OR BONE MARROW FAILURE SYNDROME, TELOMERE-RELATED, 4. Identifiers: Orphanet 2032, MedGen C4225347, MONDO:0014612, OMIM 616371.
Dyskeratosis congenita, autosomal recessive 6 (DKCB6). Identifiers: MedGen C4225356, MONDO:0014600, OMIM 616353.

Allele frequency attached by ClinVar (database versions not stated): gnomAD exomes below 0.00001; ExAC 0.00001; gnomAD 0.00001; ESP Exome Variant Server 0.00008.
gnomAD v4.1: 1 of 1,609,548 alleles (0.000062%); highest among the groups gnomAD compares: East Asian, 0.0022%; no homozygotes.

Submission:

Labcorp Genetics (formerly Invitae), Labcorp
Classification: Uncertain significance for Dyskeratosis congenita, autosomal recessive 6; Pulmonary fibrosis and/or bone marrow failure, Telomere-related, 4. Last evaluated: 2021-09-26. Review status: criteria provided, single submitter. Criteria: Invitae Variant Classification Sherloc (09022015). Collection method: clinical testing. Allele origin: germline.
Comment: In summary, the available evidence is currently insufficient to determine the role of this variant in disease. Therefore, it has been classified as a Variant of Uncertain Significance. Algorithms developed to predict the effect of missense changes on protein structure and function output the following: SIFT: "Tolerated"; PolyPhen-2: "Benign"; Align-GVGD: "Class C0". The alanine amino acid residue is found in multiple mammalian species, which suggests that this missense change does not adversely affect protein function. This variant has not been reported in the literature in individuals affected with PARN-related conditions. This variant is present in population databases (rs370388189, ExAC 0.01%). This sequence change replaces threonine with alanine at codon 166 of the PARN protein (p.Thr166Ala). The threonine residue is weakly conserved and there is a small physicochemical difference between threonine and alanine.